The following is an entry in ClinVar:

NM_001849.4(COL6A2):c.1075dup (p.Glu359fs)

Gene: COL6A2 (collagen type VI alpha 2 chain; plus strand). Cytogenetic location: 21q22.3.
Variant type: Duplication.
Coding change: c.1075dup on transcript NM_001849.4 (MANE Select); coding-DNA position 1075, one base duplicated (G; older notation c.1075dupG).
Protein change: p.Glu359fs; shifts the reading frame from glutamic acid 359.
Molecular consequence: frameshift variant.
Genome position (GRCh38, 1-based): chr21:46,117,895, G duplicated; the last of 5 consecutive G bases (chr21:46,117,891-46,117,895); duplicating any one gives the same sequence. VCF-style (leftmost placement, unchanged base first): chr21-46117890-C-CG. GRCh37 (hg19) VCF-style: chr21-47537804-C-CG.
Other names: c.1075dup, p.Glu359fs (NM_058174.3, NM_058175.3); short protein forms E359fs.
Identifiers: ClinVar variation 1074374 (VCV001074374.9), dbSNP rs2078499771, ClinGen allele CA1139532871.
Genomic context (GRCh38, chr21:46,117,890, plus strand): 5'-CCCACCCGCCGTGTGCCGAGCTCCACCTCTCACTCCTCTCTCAGGGCCCCGACGGTTACC[C>CG]GGGGGAAGCAGGGAGTCCAGGGGAGCGAGGAGACCAAGGCGGCAAGGTAAGTGGCCTTGT-3'

ClinVar aggregate classification (germline): Pathogenic. Review status: criteria provided, multiple submitters, no conflicts (2 of 4 stars). 2 submissions from 2 submitters: Pathogenic (2). Last evaluated 2025-01-15.

Conditions:
Myosclerosis. Also called: Myosclerosis, congenital; MYOPATHY, MYOSCLEROTIC; MYOSCLEROSIS, CONGENITAL, OF LOWENTHAL. Identifiers: Orphanet 289380, MedGen C1850671, MONDO:0009714, OMIM 255600.
Bethlem myopathy 1B (BTHLM1B). Identifiers: MedGen C5935580, MONDO:0958233, OMIM 620725.
Ullrich congenital muscular dystrophy 1B (UCMD1B). Identifiers: MedGen C5935582, MONDO:0958235, OMIM 620727.
Bethlem myopathy 1A. Also called: Bethlem Muscular Dystrophy; Bethlem myopathy 1; MYOPATHY, BENIGN CONGENITAL, WITH CONTRACTURES. Identifiers: Orphanet 610, MedGen CN029274, MONDO:0024530, OMIM 158810.

Submissions (2):

Labcorp Genetics (formerly Invitae), Labcorp
Classification: Pathogenic for Bethlem myopathy 1A. Last evaluated: 2025-01-15. Review status: criteria provided, single submitter. Criteria: Invitae Variant Classification Sherloc (09022015). Collection method: clinical testing. Allele origin: germline.
Comment: This sequence change creates a premature translational stop signal (p.Glu359Glyfs*92) in the COL6A2 gene. It is expected to result in an absent or disrupted protein product. Loss-of-function variants in COL6A2 are known to be pathogenic (PMID: 19884007, 20976770). This variant is not present in population databases (gnomAD no frequency). This variant has not been reported in the literature in individuals affected with COL6A2-related conditions. ClinVar contains an entry for this variant (Variation ID: 1074374). For these reasons, this variant has been classified as Pathogenic.

Juno Genomics, Hangzhou Juno Genomics, Inc
Classification: Pathogenic for Bethlem myopathy 1B; Ullrich congenital muscular dystrophy 1B; Myosclerosis. Review status: criteria provided, single submitter. Criteria: ACMG Guidelines, 2015. Collection method: clinical testing. Allele origin: germline.
Comment: Absent from controls (or at extremely low frequency if recessive) in Genome Aggregation Database.;Null variant in a gene where loss of function (LOF) is a known mechanism of disease.;For recessive disorders, detected in trans with a pathogenic variant.

Literature cited by the submitters: PubMed 19884007 (cited by Labcorp Genetics (formerly Invitae), Labcorp); PubMed 20976770 (cited by Labcorp Genetics (formerly Invitae), Labcorp).